The following is an entry in ClinVar:

ClinVar aggregate classification (germline): Benign/Likely benign. Review status: criteria provided, multiple submitters, no conflicts (2 of 4 stars). 6 submissions from 6 submitters: Benign (4); Likely benign (1). 1 of the submissions does not count toward it. Last evaluated 2026-01-21.

Conditions:
IGHMBP2-related disorder. Also called: IGHMBP2-related condition; IGHMBP2-related disorders.
Charcot-Marie-Tooth disease axonal type 2S. Also called: CHARCOT-MARIE-TOOTH NEUROPATHY, TYPE 2S; CHARCOT-MARIE-TOOTH DISEASE, AXONAL, AUTOSOMAL RECESSIVE, TYPE 2S. Identifiers: Orphanet 443073, MedGen C4015349, MONDO:0014511, OMIM 616155.
Autosomal recessive distal spinal muscular atrophy 1. Also called: HMN VI; NEURONOPATHY, SEVERE INFANTILE AXONAL, WITH RESPIRATORY FAILURE; SEVERE INFANTILE AXONAL NEUROPATHY WITH RESPIRATORY FAILURE; SPINAL MUSCULAR ATROPHY, DIAPHRAGMATIC; Spinal muscular atrophy with respiratory distress 1; NEURONOPATHY, DISTAL HEREDITARY MOTOR, HARDING TYPE VI. Identifiers: Orphanet 98920, MedGen C1858517, MONDO:0011436, OMIM 604320.
Inborn genetic diseases. Identifiers: MedGen C0950123, MeSH D030342.
Charcot-Marie-Tooth disease. Also called: Charcot-Marie-Tooth Neuropathy; Charcot-Marie-Tooth Hereditary Neuropathy. Identifiers: Orphanet 166, MedGen C0007959, MONDO:0015626.

Allele frequency attached by ClinVar (database versions not stated): ESP Exome Variant Server 0.00015; TOPMed 0.00045; ExAC 0.00295; 1000 Genomes Project 30x 0.00453; 1000 Genomes Project 0.00519.

Submissions (6):

Labcorp Genetics (formerly Invitae), Labcorp
Classification: Benign for Autosomal recessive distal spinal muscular atrophy 1; Charcot-Marie-Tooth disease axonal type 2S. Last evaluated: 2026-01-21. Review status: criteria provided, single submitter. Criteria: Invitae Variant Classification Sherloc (09022015). Collection method: clinical testing. Allele origin: germline.

Ambry Genetics
Classification: Likely benign for Inborn genetic diseases. Last evaluated: 2019-07-11. Review status: criteria provided, single submitter. Criteria: Ambry Variant Classification Scheme 2023. Collection method: clinical testing. Allele origin: germline.

Illumina Laboratory Services, Illumina
Classification: Benign for Autosomal recessive distal spinal muscular atrophy 1. Last evaluated: 2018-01-13. Review status: criteria provided, single submitter. Criteria: ICSL Variant Classification Criteria 13 December 2019. Collection method: clinical testing. Allele origin: germline.
Comment: This variant was observed in the ICSL laboratory as part of a predisposition screen in an ostensibly healthy population. It had not been previously curated by ICSL or reported in the Human Gene Mutation Database (HGMD: prior to June 1st, 2018), and was therefore a candidate for classification through an automated scoring system. Utilizing variant allele frequency, disease prevalence and penetrance estimates, and inheritance mode, an automated score was calculated to assess if this variant is too frequent to cause the disease. Based on the score and internal cut-off values, a variant classified as benign is not then subjected to further curation. The score for this variant resulted in a classification of benign for this disease.

GeneDx
Classification: Benign. Last evaluated: 2016-03-31. Review status: criteria provided, single submitter. Criteria: GeneDx Variant Classification (06012015). Collection method: clinical testing. Allele origin: germline. Affected: yes.
Comment: This variant is considered likely benign or benign based on one or more of the following criteria: it is a conservative change, it occurs at a poorly conserved position in the protein, it is predicted to be benign by multiple in silico algorithms, and/or has population frequency not consistent with disease.

Molecular Genetics Laboratory, London Health Sciences Centre
Classification: Benign for Charcot-Marie-Tooth disease. Review status: criteria provided, single submitter. Criteria: ACMG Guidelines, 2015. Collection method: clinical testing. Allele origin: germline. Affected: yes.

PreventionGenetics, part of Exact Sciences
Classification: Benign for IGHMBP2-related condition. Last evaluated: 2019-07-02. Review status: no assertion criteria provided. Collection method: clinical testing. Allele origin: germline. Not counted in ClinVar's aggregate classification.
Comment: This variant is classified as benign based on ACMG/AMP sequence variant interpretation guidelines (Richards et al. 2015 PMID: 25741868, with internal and published modifications).

NM_002180.3(IGHMBP2):c.726C>G (p.Ala242=)

Gene: IGHMBP2 (immunoglobulin mu DNA binding protein 2; plus strand). Cytogenetic location: 11q13.3.
Variant type: single nucleotide variant.
Coding change: c.726C>G on transcript NM_002180.3 (MANE Select); coding-DNA position 726, C replaced by G.
Protein change: p.Ala242=; no amino-acid change (alanine 242 retained).
Molecular consequence: synonymous variant.
Genome position (GRCh38, 1-based): chr11:68,914,837, C>G. VCF-style: chr11-68914837-C-G. GRCh37 (hg19) VCF-style: chr11-68682305-C-G.
Identifiers: ClinVar variation 305837 (VCV000305837.20), dbSNP rs76690064, ClinGen allele CA6153381.